The following is an entry in ClinVar:

ClinVar aggregate classification (germline): Uncertain significance. Review status: criteria provided, multiple submitters, no conflicts (2 of 4 stars). 4 submissions from 4 submitters: Uncertain significance (4). Last evaluated 2024-12-06.

Conditions:
Cardiomyopathy (CMYO). Also called: Cardiomyopathies. Identifiers: Orphanet 167848, MedGen C0878544, MONDO:0004994, HP:0001638. Inheritance: Various modes of inheritance.
MYH7-related disorder. Also called: MYH7-related condition; MYH7-related disease; MYH7-related disorders.

Allele frequency attached by ClinVar (database versions not stated): gnomAD exomes below 0.00001; TOPMed below 0.00001; gnomAD 0.00001; ExAC 0.00002; 1000 Genomes Project 30x 0.00031; 1000 Genomes Project 0.00040.

Submissions (4):

PreventionGenetics, part of Exact Sciences
Classification: Uncertain significance for MYH7-related condition. Last evaluated: 2024-12-06. Review status: criteria provided, single submitter. Criteria: ACMG Guidelines, 2015. Collection method: clinical testing. Allele origin: germline.
Comment: The MYH7 c.481G>A variant is predicted to result in the amino acid substitution p.Ala161Thr. This variant has been reported in the homozygous state in an individual with pediatric left ventricular noncompaction; however, it was also detected in the homozygous state in the patient's unaffected sibling (Collyer et al. 2022. PubMed ID: 34752814). This variant is reported in 0.0065% of alleles in individuals of South Asian descent in gnomAD. At this time, the clinical significance of this variant is uncertain due to the absence of conclusive functional and genetic evidence.

All of Us Research Program, National Institutes of Health
Classification: Uncertain significance for Cardiomyopathy. Last evaluated: 2024-08-23. Review status: criteria provided, single submitter. Criteria: ACMG Guidelines, 2015. Collection method: clinical testing. Allele origin: germline. Inheritance: Autosomal dominant inheritance. Observed: 1 variant allele, 1 heterozygote.
Comment: This missense variant replaces alanine with threonine at codon 161 of the MYH7 protein. Computational prediction tools indicate that this variant has a deleterious impact on protein structure and function. To our knowledge, functional studies have not been reported for this variant. This variant has been reported in heterozygous state in an individual affected with left ventricular noncompaction (PMID: 38380180). It has also been reported in homozygous state in an individual affected with left ventricular noncompaction (PMID: 34752814); of note this individual's homozygous sibling and heterozygous parent were clinically unaffected. This variant has been identified in 3/251482 chromosomes in the general population by the Genome Aggregation Database (gnomAD). The available evidence is insufficient to determine the role of this variant in disease conclusively. Therefore, this variant is classified as a Variant of Uncertain Significance.

This study involves interpretation of variants in research participants for the purpose of population health screening. Participant phenotype was not available at the time of variant classification. Additional details can be found in publication PMID: 35346344, PMCID: PMC8962531

Revvity Omics, Revvity
Classification: Uncertain significance. Last evaluated: 2021-12-22. Review status: criteria provided, single submitter. Criteria: ACMG Guidelines, 2015. Collection method: clinical testing. Allele origin: germline.

Blueprint Genetics
Classification: Uncertain significance. Last evaluated: 2020-09-15. Review status: criteria provided, single submitter. Criteria: ACMG Guidelines, 2015. Collection method: clinical testing. Allele origin: germline.

Literature cited by the submitters: PubMed 34752814 (cited by All of Us Research Program, National Institutes of Health); PubMed 38380180 (cited by All of Us Research Program, National Institutes of Health).

NM_000257.4(MYH7):c.481G>A (p.Ala161Thr)

Gene: MYH7 (myosin heavy chain 7; minus strand). Cytogenetic location: 14q11.2.
Variant type: single nucleotide variant.
Coding change: c.481G>A on transcript NM_000257.4 (MANE Select); coding-DNA position 481, G replaced by A.
Protein change: p.Ala161Thr; replaces alanine 161 with threonine.
Molecular consequence: missense variant.
Genome position (GRCh38, 1-based): chr14:23,432,660, C>T on the plus strand (G>A on the coding strand, the complement: MYH7 is on the minus strand). VCF-style: chr14-23432660-C-T. GRCh37 (hg19) VCF-style: chr14-23901869-C-T.
Other names: c.481G>A, p.Ala161Thr (NM_001407004.1); c.481G>A (NM_000257.3); short protein forms A161T.
Identifiers: ClinVar variation 2433938 (VCV002433938.6), dbSNP rs552302426, ClinGen allele CA043930.
Genomic context (GRCh38, chr14:23,432,660, plus strand): 5'-CCCAGTTCCCTTCAGGAAGACCCTTCCAGGGCCTCTCACCTGTCAGCATGTACTGATAGG[C>T]GTTGTCGGAGATGGAGAAGATGTGGGGCGGGGCCTCGCTCCTCTTCTTGCCCCGGTAGGC-3'
Protein context (NP_000248.2, residues 151-171): PPHIFSISDN[Ala161Thr]YQYMLTDREN